The following is an entry in ClinVar:

NM_001113491.2(SEPTIN9):c.1589_1592del (p.His530fs)

Gene: SEPTIN9 (septin 9; plus strand). Cytogenetic location: 17q25.3.
Variant type: Deletion.
Coding change: c.1589_1592del on transcript NM_001113491.2 (MANE Select); coding-DNA positions 1589 to 1592, 4 bases deleted (ACTG; older notation c.1589_1592delACTG).
Protein change: p.His530fs; shifts the reading frame from histidine 530.
Molecular consequence: frameshift variant.
Genome position (GRCh38, 1-based): chr17:77,497,330-77,497,333, ACTG deleted. VCF-style (leftmost placement, unchanged base first): chr17-77497329-CACTG-C. GRCh37 (hg19) VCF-style: chr17-75493411-CACTG-C.
Other names: c.1097_1100del, p.His366fs (NM_001113492.2, NM_001113494.1); c.1568_1571del, p.His523fs (NM_001113493.2); c.836_839del, p.His279fs (NM_001113495.2, NM_001113496.2, NM_001293697.2 and 1 more transcripts); c.1532_1535del, p.His511fs (NM_001293695.2); c.917_920del, p.His306fs (NM_001293696.2); c.1535_1538del, p.His512fs (NM_006640.5); short protein forms H306fs, H511fs, H279fs, H366fs, H512fs, H523fs, H530fs.
Identifiers: ClinVar variation 2720350 (VCV002720350.3), dbSNP rs2510132828, ClinGen allele CA2697555205.

ClinVar aggregate classification (germline): Uncertain significance (1 of 4 stars; one submission).

Submission:

Labcorp Genetics (formerly Invitae), Labcorp
Classification: Uncertain significance. Last evaluated: 2023-06-21. Review status: criteria provided, single submitter. Criteria: Invitae Variant Classification Sherloc (09022015). Collection method: clinical testing. Allele origin: germline.
Comment: This sequence change creates a premature translational stop signal (p.His512Leufs*32) in the SEPT9 gene. While this is not anticipated to result in nonsense mediated decay, it is expected to disrupt the last 57 amino acid(s) of the SEPT9 protein. This variant is not present in population databases (gnomAD no frequency). This variant has not been reported in the literature in individuals affected with SEPT9-related conditions. Experimental studies and prediction algorithms are not available or were not evaluated, and the functional significance of this variant is currently unknown. In summary, the available evidence is currently insufficient to determine the role of this variant in disease. Therefore, it has been classified as a Variant of Uncertain Significance.